The following is an entry in ClinVar:

ClinVar aggregate classification (germline): Uncertain significance (1 of 4 stars; one submission).

Conditions:
Ichthyosis vulgaris. Also called: ICHTHYOSIS SIMPLEX; Dominant ichthyosis vulgaris. Identifiers: MedGen C0079584, MONDO:0024304, OMIM 146700.
Dermatitis, atopic, 2. Identifiers: MedGen C1853965, MONDO:0011596, OMIM 605803.

Submission:

Juno Genomics, Hangzhou Juno Genomics, Inc
Classification: Uncertain significance for Dermatitis, atopic, 2; Ichthyosis vulgaris. Review status: criteria provided, single submitter. Criteria: ACMG Guidelines, 2015. Collection method: clinical testing. Allele origin: germline.
Comment: Null variant in a gene where loss of function (LOF) is a known mechanism of disease.;Absent from controls (or at extremely low frequency if recessive) in Genome Aggregation Database.

NM_002016.2(FLG):c.1126del (p.Ala376fs)

Genes: CCDST (cervical cancer associated DHX9 suppressive transcript; plus strand), FLG (filaggrin; minus strand). Cytogenetic location: 1q21.3.
Variant type: Deletion.
Coding change: c.1126del on transcript NM_002016.2 (MANE Select); coding-DNA position 1126, one base deleted (G; older notation c.1126delG).
Protein change: p.Ala376fs; shifts the reading frame from alanine 376.
Molecular consequence: frameshift variant. On other transcripts: non-coding transcript variant (1).
Genome position (GRCh38, 1-based): chr1:152,313,760, C deleted on the plus strand (G on the coding strand, the reverse complement: FLG is on the minus strand); the first of 2 consecutive C bases (chr1:152,313,760-152,313,761); deleting either gives the same sequence. VCF-style (leftmost placement, unchanged base first): chr1-152313759-GC-G. GRCh37 (hg19) VCF-style: chr1-152286235-GC-G.
Other names: short protein forms A376fs.
Identifiers: ClinVar variation 5007767 (VCV005007767.2).